The following is an entry in ClinVar:

NM_003886.3(AKAP4):c.77T>C (p.Val26Ala)

Gene: AKAP4 (A-kinase anchoring protein 4; minus strand). Cytogenetic location: Xp11.22.
Variant type: single nucleotide variant.
Coding change: c.77T>C on transcript NM_003886.3 (MANE Select); coding-DNA position 77, T replaced by C.
Protein change: p.Val26Ala; replaces valine 26 with alanine.
Molecular consequence: missense variant.
Genome position (GRCh38, 1-based): chrX:50,198,703, A>G on the plus strand (T>C on the coding strand, the complement: AKAP4 is on the minus strand). VCF-style: chrX-50198703-A-G. GRCh37 (hg19) VCF-style: chrX-49963354-A-G.
Other names: c.50T>C, p.Val17Ala (NM_139289.2); short protein forms V17A, V26A.
Identifiers: ClinVar variation 3239657 (VCV003239657.2).

ClinVar aggregate classification (germline): Uncertain significance (1 of 4 stars; one submission).

Conditions:
Reduced sperm motility. Also called: asthenozoospermia. Identifiers: MedGen C4082176, HP:0012207.
Abnormal sperm morphology. Also called: Teratozoospermia. Identifiers: MedGen C0403824, HP:0012864.

Submission:

Huzhibin Lab, Nanjing Medical University
Classification: Uncertain significance for Reduced sperm motility; Abnormal sperm morphology. Review status: criteria provided, single submitter. Criteria: ACMG Guidelines, 2015. Collection method: research. Allele origin: germline. Inheritance: X-linked recessive inheritance. Affected: yes. Observed: 1 variant allele, 1 hemizygote.
Comment: Criteria:PS4,PP3 This gene is a known causative gene for teratozoospermia located in ChrX, and male knockout mice of this gene have been shown to have a teratozoospermia phenotype and be infertile in males. While the variant we found here is a missense but not LoF variant. This rare homozygous variant in this gene was not found in the control population, and this variant was also predicted to be pathogenic by multiple algorithms,such as CADD(24), polyphen(0.956), SIFT(0), AlphaMissense(Pathogenic).

Literature cited by the submitters: PubMed 12167408; PubMed 31969357.